The following is an entry in ClinVar:

ClinVar aggregate classification (germline): Benign/Likely benign. Review status: criteria provided, multiple submitters, no conflicts (2 of 4 stars). 2 submissions from 2 submitters: Benign (1); Likely benign (1). Last evaluated 2025-12-17.

Allele frequency attached by ClinVar (database versions not stated): gnomAD exomes 0.00007; gnomAD 0.00009; TOPMed 0.00011; ExAC 0.00016; 1000 Genomes Project 30x 0.00047; 1000 Genomes Project 0.00060.
gnomAD v4.1: 113 of 1,613,730 alleles (0.007%); highest among the groups gnomAD compares: East Asian, 0.22%; no homozygotes.

Submissions (2):

Labcorp Genetics (formerly Invitae), Labcorp
Classification: Benign. Last evaluated: 2025-12-17. Review status: criteria provided, single submitter. Criteria: Invitae Variant Classification Sherloc (09022015). Collection method: clinical testing. Allele origin: germline.

Mayo Clinic Laboratories, Mayo Clinic
Classification: Likely benign. Last evaluated: 2025-10-21. Review status: criteria provided, single submitter. Criteria: ACMG Guidelines, 2015. Collection method: clinical testing. Allele origin: germline. Observed: 1 variant allele.
Comment: BS1, BP4, BP7

NM_001098426.2(SMARCD2):c.756C>T (p.Phe252=)

Gene: SMARCD2 (SWI/SNF related BAF chromatin remodeling complex subunit D2; minus strand). Cytogenetic location: 17q23.3.
Variant type: single nucleotide variant.
Coding change: c.756C>T on transcript NM_001098426.2 (MANE Select); coding-DNA position 756, C replaced by T.
Protein change: p.Phe252=; no amino-acid change (phenylalanine 252 retained).
Molecular consequence: synonymous variant.
Genome position (GRCh38, 1-based): chr17:63,834,768, G>A on the plus strand (C>T on the coding strand, the complement: SMARCD2 is on the minus strand). VCF-style: chr17-63834768-G-A. GRCh37 (hg19) VCF-style: chr17-61912128-G-A.
Other names: p.Phe252=; c.531C>T, p.Phe177= (NM_001330439.1); c.612C>T, p.Phe204= (NM_001330440.2).
Identifiers: ClinVar variation 2417441 (VCV002417441.8), dbSNP rs149871031, ClinGen allele CA8706400.